The following is an entry in ClinVar:

ClinVar aggregate classification (germline): Uncertain significance (1 of 4 stars; one submission).

Allele frequency attached by ClinVar (database versions not stated): gnomAD exomes below 0.00001; ExAC 0.00001.
gnomAD v4.1: 2 of 1,614,188 alleles (0.00012%); highest among the groups gnomAD compares: East Asian, 0.0022%; no homozygotes.

Submission:

GeneDx
Classification: Uncertain significance. Last evaluated: 2023-05-15. Review status: criteria provided, single submitter. Criteria: GeneDx Variant Classification Process June 2021. Collection method: clinical testing. Allele origin: germline. Affected: yes.
Comment: Not observed at significant frequency in large population cohorts (gnomAD); In silico analysis supports that this missense variant has a deleterious effect on protein structure/function; Has not been previously published as pathogenic or benign to our knowledge

NM_021625.5(TRPV4):c.2135A>G (p.Asn712Ser)

Gene: TRPV4 (transient receptor potential cation channel subfamily V member 4; minus strand). Cytogenetic location: 12q24.11.
Variant type: single nucleotide variant.
Coding change: c.2135A>G on transcript NM_021625.5 (MANE Select); coding-DNA position 2135, A replaced by G.
Protein change: p.Asn712Ser; replaces asparagine 712 with serine.
Molecular consequence: missense variant.
Genome position (GRCh38, 1-based): chr12:109,788,473, T>C on the plus strand (A>G on the coding strand, the complement: TRPV4 is on the minus strand). VCF-style: chr12-109788473-T-C. GRCh37 (hg19) VCF-style: chr12-110226278-T-C.
Other names: c.1955A>G, p.Asn652Ser (NM_147204.3); c.1994A>G, p.Asn665Ser (NM_001177428.2); c.2033A>G, p.Asn678Ser (NM_001177431.2); c.1814A>G, p.Asn605Ser (NM_001177433.2); short protein forms N605S, N652S, N665S, N678S, N712S.
Identifiers: ClinVar variation 2662311 (VCV002662311.1), dbSNP rs781535430, ClinGen allele CA6780016.